The following is an entry in ClinVar:

ClinVar aggregate classification (germline): Likely pathogenic (1 of 4 stars; one submission).

Conditions:
Cohen syndrome (COH1). Also called: Cutis verticis gyrata, retinitis pigmentosa, and sensorineural deafness; PEPPER SYNDROME. Identifiers: Orphanet 193, MedGen C0265223, MONDO:0008999, OMIM 216550.

Submission:

Labcorp Genetics (formerly Invitae), Labcorp
Classification: Likely pathogenic for Cohen syndrome. Last evaluated: 2023-07-17. Review status: criteria provided, single submitter. Criteria: Invitae Variant Classification Sherloc (09022015). Collection method: clinical testing. Allele origin: unknown.
Comment: This variant results in a copy number gain of the genomic region encompassing exon(s) 3-19 of the VPS13B gene. While the exact position of this variant cannot be determined from the data, sub-genic copy number gains are generally in tandem (PMID: 25640679). This variant is predicted to be out-of-frame, and may result in an absent or disrupted protein product. Loss-of-function variants in VPS13B are known to be pathogenic (PMID: 15141358, 16648375, 20461111). This variant has not been reported in the literature in individuals affected with VPS13B-related conditions. In summary, the currently available evidence indicates that the variant is pathogenic, but additional data are needed to prove that conclusively. Therefore, this variant has been classified as Likely Pathogenic.

Literature cited by the submitters: PubMed 25640679; PubMed 15141358; PubMed 16648375; PubMed 20461111.

NC_000008.10:g.(?_100050631)_(100287502_?)dup

Gene: VPS13B (vacuolar protein sorting 13 homolog B; plus strand). Cytogenetic location: 8q22.2.
Variant type: Duplication.
Identifiers: ClinVar variation 3245470 (VCV003245470.1).